The following is an entry in ClinVar:

NM_033026.6(PCLO):c.1569G>A (p.Gln523=)

Gene: PCLO (piccolo presynaptic cytomatrix protein; minus strand). Cytogenetic location: 7q21.11.
Variant type: single nucleotide variant.
Coding change: c.1569G>A on transcript NM_033026.6 (MANE Select); coding-DNA position 1569, G replaced by A.
Protein change: p.Gln523=; no amino-acid change (glutamine 523 retained).
Molecular consequence: synonymous variant.
Genome position (GRCh38, 1-based): chr7:83,155,072, C>T on the plus strand (G>A on the coding strand, the complement: PCLO is on the minus strand). VCF-style: chr7-83155072-C-T. GRCh37 (hg19) VCF-style: chr7-82784388-C-T.
Other names: c.1569G>A, p.Gln523= (NM_014510.3); c.1569G>A (NM_033026.5).
Identifiers: ClinVar variation 1562965 (VCV001562965.9), dbSNP rs371174942, ClinGen allele CA4321415.
Genomic context (GRCh38, chr7:83,155,072, plus strand): 5'-CTGTTGAGCTGAGGGTTTTGCTGAGCCAGGCTGTTGAGATGGGGGTTTTGTTGAGCCAGG[C>T]TGTTGAGGTGAGGGCTTTGCTGGGCCAGGCTGTTGAGGTGGGGGTTTTGTTGAGCCAGGC-3'
Protein context (NP_149015.2, residues 513-533): QPGPAKPSPQ[Gln523=]PGSTKPPSQQ

ClinVar aggregate classification (germline): Likely benign. Review status: criteria provided, single submitter (1 of 4 stars). 2 submissions from 2 submitters: Likely benign (1). 1 of the submissions does not count toward it. Last evaluated 2023-12-08.

Conditions:
PCLO-related disorder. Also called: PCLO-related condition.

Allele frequency attached by ClinVar (database versions not stated): ExAC 0.00003; ESP Exome Variant Server 0.00008; gnomAD 0.00008 and 0.00009.
gnomAD v4.1: 24 of 1,605,992 alleles (0.0015%); highest among the groups gnomAD compares: African/African-American, 0.019%; no homozygotes.

Submissions (2):

Labcorp Genetics (formerly Invitae), Labcorp
Classification: Likely benign. Last evaluated: 2023-12-08. Review status: criteria provided, single submitter. Criteria: Invitae Variant Classification Sherloc (09022015). Collection method: clinical testing. Allele origin: germline.

PreventionGenetics, part of Exact Sciences
Classification: Likely benign for PCLO-related condition. Last evaluated: 2019-08-14. Review status: no assertion criteria provided. Collection method: clinical testing. Allele origin: germline. Not counted in ClinVar's aggregate classification.
Comment: This variant is classified as likely benign based on ACMG/AMP sequence variant interpretation guidelines (Richards et al. 2015 PMID: 25741868, with internal and published modifications).